The following is an entry in ClinVar:

ClinVar aggregate classification (germline): Uncertain significance (1 of 4 stars; one submission).

Allele frequency attached by ClinVar (database versions not stated): gnomAD exomes below 0.00001 and 0.00002; TOPMed below 0.00001; ExAC 0.00001; gnomAD 0.00001; ESP Exome Variant Server 0.00008.
gnomAD v4.1: 27 of 1,609,354 alleles (0.0017%); highest among the groups gnomAD compares: Non-Finnish European, 0.0022%; no homozygotes.

Submission:

Labcorp Genetics (formerly Invitae), Labcorp
Classification: Uncertain significance. Last evaluated: 2023-06-20. Review status: criteria provided, single submitter. Criteria: Invitae Variant Classification Sherloc (09022015). Collection method: clinical testing. Allele origin: germline.
Comment: Advanced modeling of protein sequence and biophysical properties (such as structural, functional, and spatial information, amino acid conservation, physicochemical variation, residue mobility, and thermodynamic stability) performed at Invitae indicates that this missense variant is not expected to disrupt GTPBP3 protein function. In summary, the available evidence is currently insufficient to determine the role of this variant in disease. Therefore, it has been classified as a Variant of Uncertain Significance. ClinVar contains an entry for this variant (Variation ID: 1429682). This variant has not been reported in the literature in individuals affected with GTPBP3-related conditions. This variant is not present in population databases (gnomAD no frequency). This sequence change replaces alanine, which is neutral and non-polar, with threonine, which is neutral and polar, at codon 204 of the GTPBP3 protein (p.Ala204Thr).

NM_032620.4(GTPBP3):c.610G>A (p.Ala204Thr)

Gene: GTPBP3 (GTP binding protein 3, mitochondrial; plus strand). Cytogenetic location: 19p13.11.
Variant type: single nucleotide variant.
Coding change: c.610G>A on transcript NM_032620.4 (MANE Select); coding-DNA position 610, G replaced by A.
Protein change: p.Ala204Thr; replaces alanine 204 with threonine.
Molecular consequence: missense variant.
Genome position (GRCh38, 1-based): chr19:17,338,972, G>A. VCF-style: chr19-17338972-G-A. GRCh37 (hg19) VCF-style: chr19-17449781-G-A.
Other names: c.610G>A, p.Ala204Thr (NM_001128855.3, NM_133644.4); c.676G>A, p.Ala226Thr (NM_001195422.1); short protein forms A226T, A204T.
Identifiers: ClinVar variation 1429682 (VCV001429682.4), dbSNP rs139997629, ClinGen allele CA9293426.